The following is an entry in ClinVar:

ClinVar aggregate classification (germline): Pathogenic (0 of 4 stars; one submission).

Conditions:
Finnish type amyloidosis. Also called: AMYLOID CRANIAL NEUROPATHY WITH LATTICE CORNEAL DYSTROPHY; AMYLOIDOSIS DUE TO MUTANT GELSOLIN; Lattice corneal dystrophy associated with familial systemic amyloidosis; Meretoja's syndrome; Lattice dystrophy of the cornea with hereditary generalized amyloidosis; Amyloidosis, familial, Finnish type. Identifiers: Orphanet 85448, MedGen C1622345, MONDO:0007097, OMIM 105120.

gnomAD v4.1: 4 of 1,611,452 alleles (0.00025%); highest among the groups gnomAD compares: East Asian, 0.0022%; no homozygotes.

Submission:

Department of Traditional Chinese Medicine, Fujian Provincial Hospital
Classification: Pathogenic for Finnish type amyloidosis. Review status: no assertion criteria provided. Collection method: research. Allele origin: de novo. Affected: no.
Comment: The Asn211Lys variant in GSN has been reported in a family with nephrotic syndrome, segregated with the disease in 4 affected relatives (Efebera 2014). Additionally, in vitro functional studies indicate that the Asn211Lys variant is subjected to proteolytic events responsible for the formation of amyloidogenic fragments (Baek 2011, Kim 2011, Gao 2013). In our study, the p.Tyr301Cys mutation increases sensitivity to furin, generating numerous amyloid protein fragments. In summary, the Tyr301Cys variant meets our criteria to be classified as pathogenic.

Literature cited by the submitters: PubMed 33499149; PubMed 24601799; PubMed 27633054.

NM_198252.3(GSN):c.749A>G (p.Tyr250Cys)

Gene: GSN (gelsolin; plus strand). Cytogenetic location: 9q33.2.
Variant type: single nucleotide variant.
Coding change: c.749A>G on transcript NM_198252.3 (MANE Select); coding-DNA position 749, A replaced by G.
Protein change: p.Tyr250Cys; replaces tyrosine 250 with cysteine.
Molecular consequence: missense variant.
Genome position (GRCh38, 1-based): chr9:121,314,019, A>G. VCF-style: chr9-121314019-A-G. GRCh37 (hg19) VCF-style: chr9-124076297-A-G.
Other names: c.902A>G, p.Tyr301Cys (NM_000177.5); c.749A>G, p.Tyr250Cys (NM_001127662.2, NM_001127664.2, NM_001127665.2 and 10 more transcripts); c.857A>G, p.Tyr286Cys (NM_001127663.2); c.782A>G, p.Tyr261Cys (NM_001127666.2, NM_001127667.2, NM_001353063.2 and 13 more transcripts); c.800A>G, p.Tyr267Cys (NM_001258029.2); c.773A>G, p.Tyr258Cys (NM_001258030.2); c.821A>G, p.Tyr274Cys (NM_001353076.2); c.95A>G, p.Tyr32Cys (NM_001353078.2); short protein forms Y250C, Y258C, Y261C, Y267C, Y274C, Y286C, Y301C, Y32C.
Identifiers: ClinVar variation 3374701 (VCV003374701.2).